The following is an entry in ClinVar:

NM_005120.3(MED12):c.3868-21C>A

Gene: MED12 (mediator complex subunit 12; plus strand). Cytogenetic location: Xq13.1.
Variant type: single nucleotide variant.
Coding change: c.3868-21C>A on transcript NM_005120.3 (MANE Select); 21 bases into the intron before coding-DNA position 3868, C replaced by A.
Molecular consequence: intron variant.
Genome position (GRCh38, 1-based): chrX:71,130,014, C>A. VCF-style: chrX-71130014-C-A. GRCh37 (hg19) VCF-style: chrX-70349864-C-A.
Identifiers: ClinVar variation 2505264 (VCV002505264.1), dbSNP rs926671026, ClinGen allele CA330980723.

ClinVar aggregate classification (germline): Uncertain significance (1 of 4 stars; one submission).

Allele frequency attached by ClinVar (database versions not stated): gnomAD 0.00001.
gnomAD v4.1: 2 of 1,203,368 alleles (0.00017%); highest among the groups gnomAD compares: African/African-American, 0.0035%; no homozygotes.

Submission:

Greenwood Genetic Center Diagnostic Laboratories, Greenwood Genetic Center
Classification: Uncertain significance. Last evaluated: 2023-02-02. Review status: criteria provided, single submitter. Criteria: ACMG Guidelines, 2015. Collection method: clinical testing. Allele origin: germline. Affected: yes.
Comment: PM2